The following is an entry in ClinVar:

NM_001194.4(HCN2):c.1226C>T (p.Ser409Leu)

Gene: HCN2 (hyperpolarization activated cyclic nucleotide gated potassium and sodium channel 2; plus strand). Cytogenetic location: 19p13.3.
Variant type: single nucleotide variant.
Coding change: c.1226C>T on transcript NM_001194.4 (MANE Select); coding-DNA position 1226, C replaced by T.
Protein change: p.Ser409Leu; replaces serine 409 with leucine.
Molecular consequence: missense variant.
Genome position (GRCh38, 1-based): chr19:607,971, C>T. VCF-style: chr19-607971-C-T. GRCh37 (hg19) VCF-style: chr19-607971-C-T.
Other names: NM_001194.4(HCN2):c.1226C>T; p.Ser409Leu; short protein forms S409L.
Identifiers: ClinVar variation 1711728 (VCV001711728.2), dbSNP rs756318406, ClinGen allele CA9018397.

ClinVar aggregate classification (germline): Conflicting classifications of pathogenicity. Review status: criteria provided, conflicting classifications (1 of 4 stars). 2 submissions from 2 submitters: Pathogenic (1); Uncertain significance (1). Last evaluated 2026-03-04.

Conditions:
Neurodevelopmental disorder. Identifiers: MedGen C1535926, MeSH D065886, MONDO:0700092.
HCN2 related developmental and epileptic encephalopathy.

Allele frequency attached by ClinVar (database versions not stated): gnomAD exomes below 0.00001; ExAC 0.00001.
gnomAD v4.1: 2 of 1,610,918 alleles (0.00012%); highest among the groups gnomAD compares: Non-Finnish European, 0.00017%; no homozygotes.

Submissions (2):

Broad Center for Mendelian Genomics, Broad Institute of MIT and Harvard
Classification: Uncertain significance for Neurodevelopmental disorder. Last evaluated: 2026-03-04. Review status: criteria provided, single submitter. Criteria: ACMG Guidelines, 2015. Collection method: research. Allele origin: germline. Inheritance: Autosomal recessive inheritance. Study: GREGoR Consortium.
Comment: It has been identified in 0.0002% (2/1179122) of European (non-Finnish) chromosomes by gnomAD. However, this frequency is low enough to be consistent with a recessive allele frequency. The variant has also been reported in ClinVar (Variation ID: 1711728). Computational prediction tools and conservation analyses suggest that this variant may impact the protein, though this information is not predictive enough to determine impact. Furthermore, although this gene has been reported in association with neurodevelopmental disorder, this association has not been definitively established. In summary, the clinical significance of this variant is uncertain.

Department of Genetics, CHU d'Angers
Classification: Pathogenic for HCN2 related developmental and epileptic encephalopathy. Review status: criteria provided, single submitter. Criteria: ACMG Guidelines, 2015. Collection method: clinical testing. Allele origin: de novo. Affected: yes.